The following is an entry in ClinVar:

NM_007294.4(BRCA1):c.5397C>T (p.Thr1799=)

Gene: BRCA1 (BRCA1 DNA repair associated; minus strand). Cytogenetic location: 17q21.31.
Variant type: single nucleotide variant.
Coding change: c.5397C>T on transcript NM_007294.4 (MANE Select); coding-DNA position 5397, C replaced by T.
Protein change: p.Thr1799=; no amino-acid change (threonine 1799 retained).
Molecular consequence: synonymous variant. On other transcripts: intron variant (19).
Genome position (GRCh38, 1-based): chr17:43,049,130, G>A on the plus strand (C>T on the coding strand, the complement: BRCA1 is on the minus strand). VCF-style: chr17-43049130-G-A. GRCh37 (hg19) VCF-style: chr17-41201147-G-A.
Other names: c.5184C>T, p.Thr1728= (NM_001407571.1, NM_001407894.1, NM_001407895.1 and 12 more transcripts); c.5463C>T, p.Thr1821= (NM_001407581.1, NM_001407582.1); c.5460C>T, p.Thr1820= (NM_001407583.1, NM_001407585.1, NM_001407587.1 and 1 more transcripts); c.5457C>T, p.Thr1819= (NM_001407590.1, NM_001407591.1); c.5397C>T, p.Thr1799= (NM_001407593.1, NM_001407594.1, NM_001407596.1 and 5 more transcripts); c.5394C>T, p.Thr1798= (NM_001407610.1, NM_001407611.1, NM_001407612.1 and 14 more transcripts); c.5391C>T, p.Thr1797= (NM_001407627.1, NM_001407628.1, NM_001407629.1 and 13 more transcripts); c.5388C>T, p.Thr1796= (NM_001407644.1, NM_001407645.1); and 84 more.
Identifiers: ClinVar variation 427287 (VCV000427287.16), dbSNP rs1131692096, ClinGen allele CA500143280.

ClinVar aggregate classification (germline): Likely benign. Review status: reviewed by expert panel (3 of 4 stars). 3 submissions from 3 submitters: Likely benign (1). 2 of the submissions do not count toward it. Last evaluated 2017-06-29.

Conditions:
Hereditary breast ovarian cancer syndrome. Also called: Hereditary breast and ovarian cancer syndrome (HBOC); BRCA1- and BRCA2-Associated Hereditary Breast and Ovarian Cancer; Hereditary breast and/or ovarian cancer syndrome; Hereditary breast and ovarian cancer syndrome; Hereditary breast and ovarian cancer; Breast and ovarian cancer. Identifiers: Orphanet 145, MedGen C0677776, MeSH D061325, MONDO:0003582. Disease mechanism: loss of function.
Hereditary cancer-predisposing syndrome. Also called: Neoplastic Syndromes, Hereditary; Hereditary neoplastic syndrome; Tumor predisposition; Hereditary Cancer Syndrome. Identifiers: Orphanet 140162, MedGen C0027672, MeSH D009386, MONDO:0015356.
Breast-ovarian cancer, familial, susceptibility to, 1 (BROVCA1). Also called: BRCA1 Hereditary Breast and Ovarian Cancer; OVARIAN CANCER, SUSCEPTIBILITY TO. Identifiers: Orphanet 145, MedGen C2676676, MONDO:0011450, OMIM 604370. Disease mechanism: loss of function.

Allele frequency attached by ClinVar (database versions not stated): gnomAD exomes below 0.00001.
gnomAD v4.1: 1 of 1,613,966 alleles (0.000062%); highest among the groups gnomAD compares: Non-Finnish European, 0.000085%; no homozygotes.

Submissions (4):

Evidence-based Network for the Interpretation of Germline Mutant Alleles (ENIGMA)
Classification: Likely benign for Breast-ovarian cancer, familial, susceptibility to, 1. Last evaluated: 2017-06-29. Review status: reviewed by expert panel. Criteria: ENIGMA BRCA1/2 Classification Criteria (2017-06-29). Collection method: curation. Allele origin: germline.
Comment: Synonymous substitution variant, with low bioinformatic likelihood to result in a splicing aberration (Splicing prior probability 0.02).

Ambry Genetics
Classification: Likely benign for Hereditary cancer-predisposing syndrome. Last evaluated: 2025-01-14. Review status: criteria provided, single submitter. Criteria: Ambry Variant Classification Scheme 2023. Collection method: clinical testing. Allele origin: germline. Not counted in ClinVar's aggregate classification.

Labcorp Genetics (formerly Invitae), Labcorp
Classification: Likely benign for Hereditary breast ovarian cancer syndrome. Last evaluated: 2019-04-29. Review status: criteria provided, single submitter. Criteria: Invitae Variant Classification Sherloc (09022015). Collection method: clinical testing. Allele origin: germline. Not counted in ClinVar's aggregate classification.

Brotman Baty Institute, University of Washington
No classification provided (evidence only). Condition: Breast-ovarian cancer, familial 1. Review status: no classification provided. Collection method: in vitro. Allele origin: not applicable. Functional consequence: functionally_normal. Not counted in ClinVar's aggregate classification.
ClinVar note: "not provided" was previously submitted as the classification for the variant. However, the classification appeared to be based only on an observation of functional data so it was converted to no classification on 2025-07-30.